The following is an entry in ClinVar:

NM_001365951.3(KIF1B):c.*3352G>C

Gene: KIF1B (kinesin family member 1B; plus strand). Cytogenetic location: 1p36.22.
Variant type: single nucleotide variant.
Coding change: c.*3352G>C on transcript NM_001365951.3 (MANE Select); 3352 bases downstream of the stop codon, G replaced by C.
Molecular consequence: 3 prime UTR variant.
Genome position (GRCh38, 1-based): chr1:10,379,939, G>C. VCF-style: chr1-10379939-G-C. GRCh37 (hg19) VCF-style: chr1-10439997-G-C.
Other names: c.*3352G>C (NM_001365952.1, NM_015074.3).
Identifiers: ClinVar variation 874408 (VCV000874408.4), dbSNP rs567769024, ClinGen allele CA17859868.

ClinVar aggregate classification (germline): Likely benign (1 of 4 stars; one submission).

Conditions:
Neuroblastoma (NB). Identifiers: Orphanet 635, MedGen C0027819, MeSH D009447, MONDO:0005072, HP:0003006.

Allele frequency attached by ClinVar (database versions not stated): 1000 Genomes Project 0.00060; 1000 Genomes Project 30x 0.00062; TOPMed 0.00145.
gnomAD v4.1: 212 of 229,542 alleles (0.092%); highest among the groups gnomAD compares: African/African-American, 0.44%; 2 homozygotes.

Submission:

Illumina Laboratory Services, Illumina
Classification: Likely benign for Neuroblastoma. Last evaluated: 2018-01-13. Review status: criteria provided, single submitter. Criteria: ICSL Variant Classification Criteria 13 December 2019. Collection method: clinical testing. Allele origin: germline.
Comment: This variant was observed in the ICSL laboratory as part of a predisposition screen in an ostensibly healthy population. It had not been previously curated by ICSL or reported in the Human Gene Mutation Database (HGMD: prior to June 1st, 2018), and was therefore a candidate for classification through an automated scoring system. Utilizing variant allele frequency, disease prevalence and penetrance estimates, and inheritance mode, an automated score was calculated to assess if this variant is too frequent to cause the disease. Based on the score and internal cut-off values, a variant classified as likely benign is not then subjected to further curation. The score for this variant resulted in a classification of likely benign for this disease.